The following is an entry in ClinVar:

NM_001330260.2(SCN8A):c.1793G>A (p.Arg598Gln)

Gene: SCN8A (sodium voltage-gated channel alpha subunit 8; plus strand). Cytogenetic location: 12q13.13.
Variant type: single nucleotide variant.
Coding change: c.1793G>A on transcript NM_001330260.2 (MANE Select); coding-DNA position 1793, G replaced by A.
Protein change: p.Arg598Gln; replaces arginine 598 with glutamine.
Molecular consequence: missense variant.
Genome position (GRCh38, 1-based): chr12:51,721,703, G>A. VCF-style: chr12-51721703-G-A. GRCh37 (hg19) VCF-style: chr12-52115487-G-A.
Other names: c.1793G>A, p.Arg598Gln (NM_001177984.3, NM_001369788.1, NM_014191.4); short protein forms R598Q.
Identifiers: ClinVar variation 4801274 (VCV004801274.1).

ClinVar aggregate classification (germline): Uncertain significance (1 of 4 stars; one submission).

Conditions:
Early-infantile DEE. Also called: Early infantile epileptic encephalopathy with suppression bursts; Early infantile epileptic encephalopathy; Ohtahara syndrome. Identifiers: Orphanet 1934, MedGen C0393706, MONDO:0800491.

gnomAD v4.1: 3 of 1,590,124 alleles (0.00019%); highest among the groups gnomAD compares: Admixed American, 0.0018%; no homozygotes.

Submission:

Labcorp Genetics (formerly Invitae), Labcorp
Classification: Uncertain significance for Early-infantile DEE. Last evaluated: 2025-02-06. Review status: criteria provided, single submitter. Criteria: Invitae Variant Classification Sherloc (09022015). Collection method: clinical testing. Allele origin: germline.
Comment: This sequence change replaces arginine, which is basic and polar, with glutamine, which is neutral and polar, at codon 598 of the SCN8A protein (p.Arg598Gln). This variant is not present in population databases (gnomAD no frequency). This variant has not been reported in the literature in individuals affected with SCN8A-related conditions. Invitae Evidence Modeling of protein sequence and biophysical properties (such as structural, functional, and spatial information, amino acid conservation, physicochemical variation, residue mobility, and thermodynamic stability) has been performed for this missense variant. However, the output from this modeling did not meet the statistical confidence thresholds required to predict the impact of this variant on SCN8A protein function. In summary, the available evidence is currently insufficient to determine the role of this variant in disease. Therefore, it has been classified as a Variant of Uncertain Significance.